The following is an entry in ClinVar:

NM_014000.3(VCL):c.2559+18T>C

Gene: VCL (vinculin; plus strand). Cytogenetic location: 10q22.2.
Variant type: single nucleotide variant.
Coding change: c.2559+18T>C on transcript NM_014000.3 (MANE Select); 18 bases into the intron after coding-DNA position 2559, T replaced by C.
Molecular consequence: intron variant.
Genome position (GRCh38, 1-based): chr10:74,107,372, T>C. VCF-style: chr10-74107372-T-C. GRCh37 (hg19) VCF-style: chr10-75867130-T-C.
Other names: c.2559+18T>C (NM_003373.4).
Identifiers: ClinVar variation 682165 (VCV000682165.4), dbSNP rs1314406001, ClinGen allele CA594389223.

ClinVar aggregate classification (germline): Likely benign. Review status: criteria provided, multiple submitters, no conflicts (2 of 4 stars). 2 submissions from 2 submitters: Likely benign (2). Last evaluated 2024-10-15.

Conditions:
Dilated cardiomyopathy 1W (CMD1W). Identifiers: Orphanet 154, MedGen C1969639, MONDO:0012667, OMIM 611407.

Allele frequency attached by ClinVar (database versions not stated): gnomAD exomes below 0.00001 and 0.00001; TOPMed below 0.00001.
gnomAD v4.1: 10 of 1,614,164 alleles (0.00062%); highest among the groups gnomAD compares: Non-Finnish European, 0.00076%; no homozygotes.

Submissions (2):

Labcorp Genetics (formerly Invitae), Labcorp
Classification: Likely benign for Dilated cardiomyopathy 1W. Last evaluated: 2024-10-15. Review status: criteria provided, single submitter. Criteria: Invitae Variant Classification Sherloc (09022015). Collection method: clinical testing. Allele origin: germline.

GeneDx
Classification: Likely benign. Last evaluated: 2018-04-13. Review status: criteria provided, single submitter. Criteria: GeneDx Variant Classification (06012015). Collection method: clinical testing. Allele origin: germline. Affected: yes.
Comment: This variant is considered likely benign or benign based on one or more of the following criteria: it is a conservative change, it occurs at a poorly conserved position in the protein, it is predicted to be benign by multiple in silico algorithms, and/or has population frequency not consistent with disease.